The following is an entry in ClinVar:

NM_001367823.1(ARHGEF18):c.2277A>G (p.Gln759=)

Gene: ARHGEF18 (Rho/Rac guanine nucleotide exchange factor 18; plus strand). Cytogenetic location: 19p13.2.
Variant type: single nucleotide variant.
Coding change: c.2277A>G on transcript NM_001367823.1 (MANE Select); coding-DNA position 2277, A replaced by G.
Protein change: p.Gln759=; no amino-acid change (glutamine 759 retained).
Molecular consequence: synonymous variant.
Genome position (GRCh38, 1-based): chr19:7,458,607, A>G. VCF-style: chr19-7458607-A-G. GRCh37 (hg19) VCF-style: chr19-7523493-A-G.
Other names: c.1551A>G, p.Gln517= (NM_001130955.2); c.1239A>G, p.Gln413= (NM_001367824.1, NM_015318.4).
Identifiers: ClinVar variation 1059455 (VCV001059455.7), dbSNP rs199654773, ClinGen allele CA9136776.
Genomic context (GRCh38, chr19:7,458,607, plus strand): 5'-CATCGTGAGGGAAGTGGCCAACGAGGAGAAAGCGATGTTTCTGATCAGCGCCTCCTTGCA[A>G]GGGCCGGAGATGTATGAAATCTACACGAGCTCCAAAGAGGACAGGAACGCCTGGATGGCC-3'
Protein context (NP_001354752.1, residues 749-769): KAMFLISASL[Gln759=]GPEMYEIYTS

ClinVar aggregate classification (germline): Uncertain significance (1 of 4 stars; one submission).

Allele frequency attached by ClinVar (database versions not stated): gnomAD 0.00005; TOPMed 0.00007; ExAC 0.00007; gnomAD exomes 0.00009 and 0.00016.

Submissions (2):

Labcorp Genetics (formerly Invitae), Labcorp
Classification: Uncertain significance. Last evaluated: 2022-08-21. Review status: criteria provided, single submitter. Criteria: Invitae Variant Classification Sherloc (09022015). Collection method: clinical testing. Allele origin: germline.
Comment: This sequence change affects codon 571 of the ARHGEF18 mRNA. It is a 'silent' change, meaning that it does not change the encoded amino acid sequence of the ARHGEF18 protein. This variant is present in population databases (rs199654773, gnomAD 0.02%). This variant has not been reported in the literature in individuals affected with ARHGEF18-related conditions. ClinVar contains an entry for this variant (Variation ID: 1059455). Algorithms developed to predict the effect of sequence changes on RNA splicing suggest that this variant may create or strengthen a splice site. In summary, the available evidence is currently insufficient to determine the role of this variant in disease. Therefore, it has been classified as a Variant of Uncertain Significance.

Dr. Peter K. Rogan Lab, Western University
No classification provided (evidence only). Condition: Melanoma. Review status: no classification provided. Collection method: in vitro. Allele origin: not applicable. Functional consequence: retained intron. Not counted in ClinVar's aggregate classification.